The following is an entry in ClinVar:

ClinVar aggregate classification (germline): Likely pathogenic (1 of 4 stars; one submission).

Conditions:
Mucopolysaccharidosis, MPS-II (MPS2). Also called: Hunter Syndrome; IDURONATE 2-SULFATASE DEFICIENCY; Mucopolysaccharidosis Type II; Mucopolysaccharidosis type 2; Attenuated MPS (subtype; formerly known as mild MPS II); Severe MPS II. Identifiers: Orphanet 580, Orphanet 79388, MedGen C0026705, MONDO:0010674, OMIM 309900.

Submission:

Laboratory of Diagnosis and Therapy of Lysosomal Disorders, University of Padova
Classification: Likely pathogenic for Mucopolysaccharidosis, MPS-II. Last evaluated: 2024-06-07. Review status: criteria provided, single submitter. Criteria: ACMG Guidelines, 2015. Collection method: literature only. Allele origin: germline. Affected: yes. Observed: 1 variant allele.
Comment: Absent from controls (or at low frequency) in gnomAD database (PM2_Moderate), Missense variant in a gene with a low rate of benign missense variation (PP2_Supporting), Multiple lines of computational evidence support a deleterious effect (PP3_Supporting), Patient’s phenotype or family history highly specific for the disease (PP4_Strong)

Classification method: ACMG Guidelines [PMID:25741868] with modifications

Literature cited by the submitters: PubMed 9660053.

NM_000202.8(IDS):c.1469A>C (p.Tyr490Ser)

Gene: IDS (iduronate 2-sulfatase; minus strand). Cytogenetic location: Xq28.
Variant type: single nucleotide variant.
Coding change: c.1469A>C on transcript NM_000202.8 (MANE Select); coding-DNA position 1469, A replaced by C.
Protein change: p.Tyr490Ser; replaces tyrosine 490 with serine.
Molecular consequence: missense variant.
Genome position (GRCh38, 1-based): chrX:149,482,930, T>G on the plus strand (A>C on the coding strand, the complement: IDS is on the minus strand). VCF-style: chrX-149482930-T-G. GRCh37 (hg19) VCF-style: chrX-148564461-T-G.
Other names: c.1199A>C, p.Tyr400Ser (NM_001166550.4); short protein forms Y400S, Y490S.
Identifiers: ClinVar variation 3256071 (VCV003256071.2).